The following continues an entry in ClinVar:

NM_000218.3(KCNQ1):c.1179G>T (p.Lys393Asn)

Gene: KCNQ1. ClinVar aggregate classification (germline): Conflicting classifications of pathogenicity. Uncertain significance (2); Benign (3); Likely benign (15).

Submissions 19 to 26 of 26:

Eurofins Ntd Llc (ga)
Classification: Uncertain significance. Last evaluated: 2015-01-16. Review status: criteria provided, single submitter. Criteria: EGL Classification Definitions 2015. Collection method: clinical testing. Allele origin: germline. Observed: 1 variant allele, 1 heterozygote.

Biesecker Lab/Clinical Genomics Section, National Institutes of Health
Classification: Benign for Long QT syndrome. Last evaluated: 2013-06-24. Review status: criteria provided, single submitter. Criteria: Ng et al. (Circ Cardiovasc Genet. 2013). Collection method: research. Allele origin: unknown. Observed: 2 variant alleles. Study: ClinSeq.
Comment: The study set was not selected for affection status in relation to any cancer. Pathogenicity categories were based on literature curation. See Pubmed ID:23861362 for details.

Medical sequencing

CSER _CC_NCGL, University of Washington
Classification: Likely benign for Long QT syndrome. Last evaluated: 2014-06-01. Review status: no assertion criteria provided. Collection method: research. Allele origin: germline. Inheritance: Autosomal dominant inheritance. Study: ESP 6500 variant annotation. Not counted in ClinVar's aggregate classification.
Comment: Variants classified for the Actionable exomic incidental findings in 6503 participants: challenges of variant classification manuscript

Cardiovascular Biomedical Research Unit, Royal Brompton & Harefield NHS Foundation Trust
No classification provided. Review status: no classification provided. Collection method: literature only. Allele origin: germline. Not counted in ClinVar's aggregate classification.
Comment: This variant has been reported in the following publications (PMID:14661677;PMID:14678125;PMID:17161064;PMID:17210839;PMID:17470695;PMID:19841300;PMID:19862833).

Clinical Genetics DNA and cytogenetics Diagnostics Lab, Erasmus MC, Erasmus Medical Center
Classification: Likely benign. Review status: no assertion criteria provided. Collection method: clinical testing. Allele origin: germline. Affected: yes. Study: VKGL Data-share Consensus. Not counted in ClinVar's aggregate classification.

Clinical Genetics, Academic Medical Center
Classification: Likely benign. Review status: no assertion criteria provided. Collection method: clinical testing. Allele origin: germline. Affected: yes. Study: VKGL Data-share Consensus. Not counted in ClinVar's aggregate classification.

Joint Genome Diagnostic Labs from Nijmegen and Maastricht, Radboudumc and MUMC+
Classification: Likely benign. Review status: no assertion criteria provided. Collection method: clinical testing. Allele origin: germline. Affected: yes. Study: VKGL Data-share Consensus. Not counted in ClinVar's aggregate classification.

Laboratory of Diagnostic Genome Analysis, Leiden University Medical Center (LUMC)
Classification: Likely benign. Review status: no assertion criteria provided. Collection method: clinical testing. Allele origin: germline. Affected: yes. Study: VKGL Data-share Consensus. Not counted in ClinVar's aggregate classification.

Literature cited by the submitters: PubMed 26498160 (cited by Women's Health and Genetics/Laboratory Corporation of America, LabCorp); PubMed 21185501 (cited by Women's Health and Genetics/Laboratory Corporation of America, LabCorp); PubMed 17470695 (cited by 3 submitters); PubMed 22949429 (cited by Laboratory for Molecular Medicine, Mass General Brigham Personalized Medicine); PubMed 23571586 (cited by Laboratory for Molecular Medicine, Mass General Brigham Personalized Medicine and Illumina Laboratory Services, Illumina); PubMed 16556865 (cited by Laboratory for Molecular Medicine, Mass General Brigham Personalized Medicine and Illumina Laboratory Services, Illumina); PubMed 14661677 (cited by 3 submitters); PubMed 22677073 (cited by Illumina Laboratory Services, Illumina); PubMed 17210839 (cited by Illumina Laboratory Services, Illumina and Cardiovascular Biomedical Research Unit, Royal Brompton & Harefield NHS Foundation Trust); PubMed 19841300 (cited by Illumina Laboratory Services, Illumina and Cardiovascular Biomedical Research Unit, Royal Brompton & Harefield NHS Foundation Trust); PubMed 14678125 (cited by Illumina Laboratory Services, Illumina and Cardiovascular Biomedical Research Unit, Royal Brompton & Harefield NHS Foundation Trust); PubMed 17161064 (cited by Illumina Laboratory Services, Illumina and Cardiovascular Biomedical Research Unit, Royal Brompton & Harefield NHS Foundation Trust); PubMed 19862833 (cited by Cardiovascular Biomedical Research Unit, Royal Brompton & Harefield NHS Foundation Trust); PubMed 22581653 (cited by Cardiovascular Biomedical Research Unit, Royal Brompton & Harefield NHS Foundation Trust).